The following is an entry in ClinVar:

ClinVar aggregate classification (germline): Uncertain significance (1 of 4 stars; one submission).

Allele frequency attached by ClinVar (database versions not stated): ExAC 0.00001; gnomAD 0.00001; TOPMed 0.00001.
gnomAD v4.1: 2 of 1,613,164 alleles (0.00012%); highest among the groups gnomAD compares: African/African-American, 0.0027%; no homozygotes.

Submission:

Labcorp Genetics (formerly Invitae), Labcorp
Classification: Uncertain significance. Last evaluated: 2022-03-13. Review status: criteria provided, single submitter. Criteria: Invitae Variant Classification Sherloc (09022015). Collection method: clinical testing. Allele origin: germline.
Comment: Algorithms developed to predict the effect of missense changes on protein structure and function are either unavailable or do not agree on the potential impact of this missense change (SIFT: "Deleterious"; PolyPhen-2: "Benign"; Align-GVGD: "Class C0"). In summary, the available evidence is currently insufficient to determine the role of this variant in disease. Therefore, it has been classified as a Variant of Uncertain Significance. This variant has not been reported in the literature in individuals affected with RAI1-related conditions. This variant is present in population databases (rs757647951, gnomAD 0.007%). This sequence change replaces glycine, which is neutral and non-polar, with valine, which is neutral and non-polar, at codon 229 of the RAI1 protein (p.Gly229Val).

NM_030665.4(RAI1):c.686G>T (p.Gly229Val)

Gene: RAI1 (retinoic acid induced 1; plus strand). Cytogenetic location: 17p11.2.
Variant type: single nucleotide variant.
Coding change: c.686G>T on transcript NM_030665.4 (MANE Select); coding-DNA position 686, G replaced by T.
Protein change: p.Gly229Val; replaces glycine 229 with valine.
Molecular consequence: missense variant.
Genome position (GRCh38, 1-based): chr17:17,793,634, G>T. VCF-style: chr17-17793634-G-T. GRCh37 (hg19) VCF-style: chr17-17696948-G-T.
Other names: short protein forms G229V.
Identifiers: ClinVar variation 1962399 (VCV001962399.5), dbSNP rs757647951, ClinGen allele CA8418169.